The following is an entry in ClinVar:

ClinVar aggregate classification (germline): Benign (1 of 4 stars; one submission).

Conditions:
Immunoglobulin-mediated membranoproliferative glomerulonephritis. Also called: NEPHROTIC SYNDROME, TYPE 7, WITH MEMBRANOPROLIFERATIVE GLOMERULONEPHRITIS; Nephrotic syndrome, type 7. Identifiers: Orphanet 329903, MedGen C3554330, MONDO:0014005, OMIM 615008.
Mesangiocapillary glomerulonephritis. Also called: Membranoproliferative glomerulonephritis. Identifiers: MedGen C0017662, MONDO:0002461, HP:0000793.

gnomAD v4.1: 3,724 of 553,616 alleles (0.67%); highest among the groups gnomAD compares: Non-Finnish European, 0.93%; 20 homozygotes.

Submission:

Genomenon, Inc
Classification: Benign for Primary membranoproliferative glomerulonephritis. Last evaluated: 2025-09-26. Review status: criteria provided, single submitter. Criteria: Genomenon Sequence Variant Interpretation Standards - Updated. Collection method: curation. Allele origin: germline. Affected: no.
Comment: DGKE c.1284+151A>G is an intronic variant located in intron 9. This variant has been reported in the published literature (PMID:31791575). This variant is present at high allele frequency in population databases. In conclusion, we classify DGKE c.1284+151A>G as a benign variant.

Literature cited by the submitters: PubMed 31791575.

NM_003647.3(DGKE):c.1284+151A>G

Gene: DGKE (diacylglycerol kinase epsilon; plus strand). Cytogenetic location: 17q22.
Variant type: single nucleotide variant.
Coding change: c.1284+151A>G on transcript NM_003647.3 (MANE Select); 151 bases into the intron after coding-DNA position 1284, A replaced by G.
Molecular consequence: intron variant.
Genome position (GRCh38, 1-based): chr17:56,858,816, A>G. VCF-style: chr17-56858816-A-G. GRCh37 (hg19) VCF-style: chr17-54936177-A-G.
Identifiers: ClinVar variation 4280374 (VCV004280374.1).